The following is an entry in ClinVar:

ClinVar aggregate classification (germline): Uncertain significance. Review status: criteria provided, multiple submitters, no conflicts (2 of 4 stars). 4 submissions from 4 submitters: Uncertain significance (4). Last evaluated 2024-02-24.

Conditions:
Inborn genetic diseases. Identifiers: MedGen C0950123, MeSH D030342.
Microcephalic primordial dwarfism due to RTTN deficiency (MSSP). Also called: MICROCEPHALY, SHORT STATURE, AND POLYMICROGYRIA; Microcephaly, short stature, and polymicrogyria with or without seizures. Identifiers: Orphanet 468631, MedGen C3553831, MONDO:0018764, OMIM 614833.

Allele frequency attached by ClinVar (database versions not stated): gnomAD 0.00001 and 0.00004; TOPMed 0.00001; gnomAD exomes 0.00003 and 0.00006; ExAC 0.00009; 1000 Genomes Project 0.00040; 1000 Genomes Project 30x 0.00047.

Submissions (4):

Labcorp Genetics (formerly Invitae), Labcorp
Classification: Uncertain significance. Last evaluated: 2024-02-24. Review status: criteria provided, single submitter. Criteria: Invitae Variant Classification Sherloc (09022015). Collection method: clinical testing. Allele origin: germline.
Comment: This sequence change replaces arginine, which is basic and polar, with glutamine, which is neutral and polar, at codon 1591 of the RTTN protein (p.Arg1591Gln). This variant is present in population databases (rs543724689, gnomAD 0.05%). This variant has not been reported in the literature in individuals affected with RTTN-related conditions. ClinVar contains an entry for this variant (Variation ID: 1333309). Advanced modeling of protein sequence and biophysical properties (such as structural, functional, and spatial information, amino acid conservation, physicochemical variation, residue mobility, and thermodynamic stability) performed at Invitae indicates that this missense variant is not expected to disrupt RTTN protein function with a negative predictive value of 80%. In summary, the available evidence is currently insufficient to determine the role of this variant in disease. Therefore, it has been classified as a Variant of Uncertain Significance.

Revvity Omics, Revvity
Classification: Uncertain significance for Microcephalic primordial dwarfism due to RTTN deficiency. Last evaluated: 2023-11-14. Review status: criteria provided, single submitter. Criteria: ACMG Guidelines, 2015. Collection method: clinical testing. Allele origin: germline.

3billion
Classification: Uncertain significance for Microcephalic primordial dwarfism due to RTTN deficiency. Last evaluated: 2022-01-03. Review status: criteria provided, single submitter. Criteria: ACMG Guidelines, 2015. Collection method: clinical testing. Allele origin: germline. Affected: yes. Observed: 1 heterozygote.
Comment: The variant observed at an extremely low frequency in the gnomAD v2.1.1 dataset (total allele frequency: 0.000065, PM2_M). A missense variant is a common mechanism associated with Microcephaly (PP2_P). In silico tool predictions suggest no damaging effect of the variant on gene or gene product ( REVEL:0.011<=0.4, 3CNET:0.039<=0.25, BP4_P). Therefore, this variant is classified as uncertain significance according to the recommendation of ACMG/AMP guideline.

Ambry Genetics
Classification: Uncertain significance for Inborn genetic diseases. Last evaluated: 2021-08-10. Review status: criteria provided, single submitter. Criteria: Ambry Variant Classification Scheme 2023. Collection method: clinical testing. Allele origin: germline.

NM_173630.4(RTTN):c.4772G>A (p.Arg1591Gln)

Gene: RTTN (rotatin; minus strand). Cytogenetic location: 18q22.2.
Variant type: single nucleotide variant.
Coding change: c.4772G>A on transcript NM_173630.4 (MANE Select); coding-DNA position 4772, G replaced by A.
Protein change: p.Arg1591Gln; replaces arginine 1591 with glutamine.
Molecular consequence: missense variant.
Genome position (GRCh38, 1-based): chr18:70,060,018, C>T on the plus strand (G>A on the coding strand, the complement: RTTN is on the minus strand). VCF-style: chr18-70060018-C-T. GRCh37 (hg19) VCF-style: chr18-67727254-C-T.
Other names: c.2036G>A, p.Arg679Gln (NM_001318520.2); c.4772G>A (NM_173630.3); short protein forms R1591Q, R679Q.
Identifiers: ClinVar variation 1333309 (VCV001333309.9), dbSNP rs543724689, ClinGen allele CA8995122.
Genomic context (GRCh38, chr18:70,060,018, plus strand): 5'-GGAGTAACAAAAACACACAGTTTGGGCAGGGGAGCAGAAAGAGATGAATCATGAGGTGGC[C>T]GTGGTGATGTACTTTCCTGGTGACCTATTATTGAAAATAAACATAAGAATTATTATTTAC-3'
Protein context (NP_775901.3, residues 1581-1601): AQGHQESTSP[Arg1591Gln]PPHDSSLSAP